The following continues an entry in ClinVar:

NM_000257.4(MYH7):c.4130C>T (p.Thr1377Met)

Gene: MYH7. ClinVar aggregate classification (germline): Pathogenic. Pathogenic (1).

Submissions 10 to 22 of 22:

Blueprint Genetics
Classification: Pathogenic for MYH7-related disorders. Last evaluated: 2022-11-07. Review status: criteria provided, single submitter. Criteria: ACMG Guidelines, 2015. Collection method: clinical testing. Allele origin: germline. Affected: yes. Observed: 4 variant alleles. Not counted in ClinVar's aggregate classification.

Clinical Genetics Laboratory, Skane University Hospital Lund
Classification: Pathogenic. Last evaluated: 2022-05-27. Review status: criteria provided, single submitter. Criteria: ACMG Guidelines, 2015. Collection method: clinical testing. Allele origin: germline. Affected: yes. Not counted in ClinVar's aggregate classification.

Fulgent Genetics
Classification: Likely pathogenic for MYH7-related skeletal myopathy; Myosin storage myopathy; Hypertrophic cardiomyopathy 1; Myopathy, myosin storage, autosomal recessive; Congenital myopathy 4A, autosomal dominant; Dilated cardiomyopathy 1S. Last evaluated: 2022-04-19. Review status: criteria provided, single submitter. Criteria: ACMG Guidelines, 2015. Collection method: clinical testing. Allele origin: unknown. Not counted in ClinVar's aggregate classification.

Laboratory for Molecular Medicine, Mass General Brigham Personalized Medicine
Classification: Pathogenic for Hypertrophic cardiomyopathy. Last evaluated: 2022-03-07. Review status: criteria provided, single submitter. Criteria: ACMG Guidelines, 2015. Collection method: clinical testing. Allele origin: germline. Inheritance: Autosomal dominant inheritance. Not counted in ClinVar's aggregate classification.
Comment: The p.Thr1377Met variant in MYH7 has been reported in > 35 individuals with HCM (Richard 2003 PMID: 12707239, Van Driest 2004 PMID: 15358028, Girolami 2006 PMID: 16858239, Fokstuen 2008 PMID: 18409188, Olivotto 2008 PMID: 18533079, Millat 2010 PMID: 20624503, Foksteun 2011 PMID: 21239446, Witjas-Paalberends 2013 PMID: 223674513, Adler 2014 PMID: 26743238, Berge 2014 PMID: 24111713, Helms 2014 PMID: 25031304, Kapplinger 2014 PMID: 24510615, Walsh 2016 PMID: 27532257, Song 2017 PMID: 28202948, Perez-Sanchez 2018 PMID: 28687478, Wang 2018 PMID: 29343710, LMM data). This variant has also been shown to segregate in >10 relatives from 7 families, (Perez-Sanchez 2018 PMID: 28687478, Wang 2018 PMID: 29343710, LMM data). It has also been identified in 0.0009% (1/113754) of European chromosomes by gnomAD. Computational prediction tools and conservation analysis suggest that the p.Thr1377Met variant may impact the protein. Moreover, this variant was classified as Pathogenic on February 25, 2019 by the ClinGen-approved Cardiomyopathy Variant Curation expert panel (Variation ID 42992). In summary, this variant meets criteria to be classified as pathogenic for autosomal dominant HCM. ACMG/AMP Criteria applied: PS4, PP1_Strong, PM2_supporting, PP3.

CeGaT Center for Human Genetics Tuebingen
Classification: Likely pathogenic. Last evaluated: 2022-03-01. Review status: criteria provided, single submitter. Criteria: CeGaT Center For Human Genetics Tuebingen Variant Classification Criteria Version 2. Collection method: clinical testing. Allele origin: germline. Affected: yes. Observed: 2 variant alleles. Not counted in ClinVar's aggregate classification.
Comment: MYH7: PP1:Moderate, PS4:Moderate, PP2, PP3

Mayo Clinic Laboratories, Mayo Clinic
Classification: Pathogenic. Last evaluated: 2018-10-08. Review status: criteria provided, single submitter. Criteria: ACMG Guidelines, 2015. Collection method: clinical testing. Allele origin: germline. Observed: 1 variant allele. Not counted in ClinVar's aggregate classification.
Comment: PP1_strong, PP2, PP3, PM2_supporting, PS4

Hadassah Hebrew University Medical Center
Classification: Pathogenic for Hypertrophic cardiomyopathy 1. Review status: criteria provided, single submitter. Criteria: ACMG Guidelines, 2015. Collection method: research. Allele origin: germline. Affected: no. Observed: 1 variant allele. Not counted in ClinVar's aggregate classification.

Juno Genomics, Hangzhou Juno Genomics, Inc
Classification: Pathogenic for Dilated cardiomyopathy 1S; Hypertrophic cardiomyopathy 1; MYH7-related skeletal myopathy; Myosin storage myopathy; Myopathy, myosin storage, autosomal recessive. Review status: criteria provided, single submitter. Criteria: ACMG Guidelines, 2015. Collection method: clinical testing. Allele origin: germline. Affected: yes. Not counted in ClinVar's aggregate classification.
Comment: Absent from controls (or at extremely low frequency if recessive) in Genome Aggregation Database, Exome Sequencing Project, 1000 Genomes Project, or Exome Aggregation Consortium.;The prevalence of the variant in affected individuals is significantly increased compared to the prevalence in controls.;Co-segregation with disease in multiple affected family members in a gene definitively known to cause the disease.;Multiple lines of computational evidence support a deleterious effect on the gene or gene product (conservation, evolutionary, splicing impact, etc).

Clinical Genetics DNA and cytogenetics Diagnostics Lab, Erasmus MC, Erasmus Medical Center
Classification: Pathogenic. Review status: no assertion criteria provided. Collection method: clinical testing. Allele origin: germline. Affected: yes. Study: VKGL Data-share Consensus. Not counted in ClinVar's aggregate classification.

Clinical Genetics, Academic Medical Center
Classification: Pathogenic. Review status: no assertion criteria provided. Collection method: clinical testing. Allele origin: germline. Affected: yes. Study: VKGL Data-share Consensus. Not counted in ClinVar's aggregate classification.

Diagnostic Laboratory, Department of Genetics, University Medical Center Groningen
Classification: Pathogenic. Review status: no assertion criteria provided. Collection method: clinical testing. Allele origin: germline. Affected: yes. Study: VKGL Data-share Consensus. Not counted in ClinVar's aggregate classification.

Genome Diagnostics Laboratory, University Medical Center Utrecht
Classification: Likely pathogenic. Review status: no assertion criteria provided. Collection method: clinical testing. Allele origin: germline. Affected: yes. Study: VKGL Data-share Consensus. Not counted in ClinVar's aggregate classification.

Joint Genome Diagnostic Labs from Nijmegen and Maastricht, Radboudumc and MUMC+
Classification: Pathogenic. Review status: no assertion criteria provided. Collection method: clinical testing. Allele origin: germline. Affected: yes. Study: VKGL Data-share Consensus. Not counted in ClinVar's aggregate classification.

Literature cited by the submitters: PubMed 29300372 (cited by ClinGen Cardiomyopathy Variant Curation Expert Panel); PubMed 12707239 (cited by 4 submitters); PubMed 16858239 (cited by 3 submitters); PubMed 18409188 (cited by 4 submitters); PubMed 20800588 (cited by Labcorp Genetics (formerly Invitae), Labcorp and 3billion); PubMed 24111713 (cited by 4 submitters); PubMed 25031304 (cited by 3 submitters); PubMed 27247418 (cited by 3 submitters); PubMed 27532257 (cited by 4 submitters); PubMed 32344918 (cited by Labcorp Genetics (formerly Invitae), Labcorp); PubMed 21239446 (cited by 3 submitters); PubMed 30297972 (cited by 3billion); PubMed 20624503 (cited by 3 submitters); PubMed 18533079 (cited by 3 submitters); PubMed 23674513 (cited by 3billion and Laboratory for Molecular Medicine, Mass General Brigham Personalized Medicine); PubMed 24093860 (cited by 3billion); PubMed 15358028 (cited by Ambry Genetics and Laboratory for Molecular Medicine, Mass General Brigham Personalized Medicine); PubMed 26743238 (cited by Ambry Genetics and Laboratory for Molecular Medicine, Mass General Brigham Personalized Medicine); PubMed 28687478 (cited by Ambry Genetics and Laboratory for Molecular Medicine, Mass General Brigham Personalized Medicine); PubMed 28971120 (cited by Ambry Genetics); PubMed 29101517 (cited by Ambry Genetics); PubMed 29169752 (cited by Ambry Genetics); PubMed 29343710 (cited by Ambry Genetics and Laboratory for Molecular Medicine, Mass General Brigham Personalized Medicine); PubMed 16352453 (cited by Laboratory for Molecular Medicine, Mass General Brigham Personalized Medicine); PubMed 24510615 (cited by Laboratory for Molecular Medicine, Mass General Brigham Personalized Medicine); PubMed 27688314 (cited by Laboratory for Molecular Medicine, Mass General Brigham Personalized Medicine); PubMed 28202948 (cited by Laboratory for Molecular Medicine, Mass General Brigham Personalized Medicine).